The following is an entry in ClinVar:

NM_001567.4(INPPL1):c.1840A>G (p.Met614Val)

Gene: INPPL1 (inositol polyphosphate phosphatase like 1; plus strand). Cytogenetic location: 11q13.4.
Variant type: single nucleotide variant.
Coding change: c.1840A>G on transcript NM_001567.4 (MANE Select); coding-DNA position 1840, A replaced by G.
Protein change: p.Met614Val; replaces methionine 614 with valine.
Molecular consequence: missense variant.
Genome position (GRCh38, 1-based): chr11:72,232,753, A>G. VCF-style: chr11-72232753-A-G. GRCh37 (hg19) VCF-style: chr11-71943797-A-G.
Other names: short protein forms M614V.
Identifiers: ClinVar variation 2096886 (VCV002096886.4), dbSNP rs1469370757, ClinGen allele CA381730215.

ClinVar aggregate classification (germline): Uncertain significance (1 of 4 stars; one submission).

Allele frequency attached by ClinVar (database versions not stated): gnomAD exomes below 0.00001.
gnomAD v4.1: 1 of 1,613,654 alleles (0.000062%); highest among the groups gnomAD compares: Non-Finnish European, 0.000085%; no homozygotes.

Submission:

Labcorp Genetics (formerly Invitae), Labcorp
Classification: Uncertain significance. Last evaluated: 2022-06-05. Review status: criteria provided, single submitter. Criteria: Invitae Variant Classification Sherloc (09022015). Collection method: clinical testing. Allele origin: germline.
Comment: This sequence change replaces methionine, which is neutral and non-polar, with valine, which is neutral and non-polar, at codon 614 of the INPPL1 protein (p.Met614Val). This variant is not present in population databases (gnomAD no frequency). This variant has not been reported in the literature in individuals affected with INPPL1-related conditions. Algorithms developed to predict the effect of missense changes on protein structure and function are either unavailable or do not agree on the potential impact of this missense change (SIFT: "Tolerated"; PolyPhen-2: "Probably Damaging"; Align-GVGD: "Class C0"). In summary, the available evidence is currently insufficient to determine the role of this variant in disease. Therefore, it has been classified as a Variant of Uncertain Significance.